The following is an entry in ClinVar:

ClinVar aggregate classification (germline): Uncertain significance. Review status: criteria provided, multiple submitters, no conflicts (2 of 4 stars). 3 submissions from 3 submitters: Uncertain significance (3). Last evaluated 2025-12-05.

Conditions:
Hypokalemic periodic paralysis, type 1. Also called: Hypokalemic Periodic Paralysis Type 1 (AD); HypoPP. Identifiers: Orphanet 681, MedGen C3714580, MONDO:0042979, OMIM 170400.
Malignant hyperthermia, susceptibility to, 5 (MHS5). Also called: CACNA1S-Related Malignant Hyperthermia Susceptibility. Identifiers: Orphanet 423, MedGen C1866077, MONDO:0011163, OMIM 601887.

Allele frequency attached by ClinVar (database versions not stated): gnomAD exomes below 0.00001; TOPMed below 0.00001; gnomAD 0.00001.
gnomAD v4.1: 3 of 1,613,964 alleles (0.00019%); highest among the groups gnomAD compares: Non-Finnish European, 0.00025%; no homozygotes.

Submissions (3):

Labcorp Genetics (formerly Invitae), Labcorp
Classification: Uncertain significance for Hypokalemic periodic paralysis, type 1; Malignant hyperthermia, susceptibility to, 5. Last evaluated: 2025-12-05. Review status: criteria provided, single submitter. Criteria: Invitae Variant Classification Sherloc (09022015). Collection method: clinical testing. Allele origin: germline.
Comment: This sequence change replaces threonine, which is neutral and polar, with proline, which is neutral and non-polar, at codon 520 of the CACNA1S protein (p.Thr520Pro). This variant is not present in population databases (gnomAD no frequency). This variant has not been reported in the literature in individuals affected with CACNA1S-related conditions. ClinVar contains an entry for this variant (Variation ID: 576142). Invitae Evidence Modeling of protein sequence and biophysical properties (such as structural, functional, and spatial information, amino acid conservation, physicochemical variation, residue mobility, and thermodynamic stability) indicates that this missense variant is not expected to disrupt CACNA1S protein function with a negative predictive value of 95%. In summary, the available evidence is currently insufficient to determine the role of this variant in disease. Therefore, it has been classified as a Variant of Uncertain Significance.

Color Diagnostics, LLC DBA Color Health
Classification: Uncertain significance for Malignant hyperthermia, susceptibility to, 5. Last evaluated: 2024-04-17. Review status: criteria provided, single submitter. Criteria: ACMG Guidelines, 2015. Collection method: clinical testing. Allele origin: germline.
Comment: This missense variant replaces threonine with proline at codon 520 of the CACNA1S protein. Computational prediction suggests that this variant may not impact protein structure and function. To our knowledge, functional studies have not been reported for this variant. This variant has not been reported in individuals affected with CACNA1S-related disorders in the literature. This variant has not been identified in the general population by the Genome Aggregation Database (gnomAD). The available evidence is insufficient to determine the role of this variant in disease conclusively. Therefore, this variant is classified as a Variant of Uncertain Significance.

All of Us Research Program, National Institutes of Health
Classification: Uncertain significance for Malignant hyperthermia, susceptibility to, 5. Last evaluated: 2023-05-31. Review status: criteria provided, single submitter. Criteria: ACMG Guidelines, 2015. Collection method: clinical testing. Allele origin: germline. Inheritance: Autosomal dominant inheritance. Observed: 1 variant allele, 1 heterozygote.
Comment: This study involves interpretation of variants in research participants for the purpose of population health screening. Participant phenotype was not available at the time of variant classification. Additional details can be found in publication PMID: 35346344, PMCID: PMC8962531

NM_000069.3(CACNA1S):c.1558A>C (p.Thr520Pro)

Gene: CACNA1S (calcium voltage-gated channel subunit alpha1 S; minus strand). Cytogenetic location: 1q32.1.
Variant type: single nucleotide variant.
Coding change: c.1558A>C on transcript NM_000069.3 (MANE Select); coding-DNA position 1558, A replaced by C.
Protein change: p.Thr520Pro; replaces threonine 520 with proline.
Molecular consequence: missense variant.
Genome position (GRCh38, 1-based): chr1:201,077,940, T>G on the plus strand (A>C on the coding strand, the complement: CACNA1S is on the minus strand). VCF-style: chr1-201077940-T-G. GRCh37 (hg19) VCF-style: chr1-201047068-T-G.
Other names: short protein forms T520P.
Identifiers: ClinVar variation 576142 (VCV000576142.11), dbSNP rs1182197306, ClinGen allele CA344121389.